The following is an entry in ClinVar:

NM_024508.5(ZBED2):c.19G>A (p.Glu7Lys)

Genes: CD96 (CD96 molecule; plus strand), ZBED2 (zinc finger BED-type containing 2; minus strand). Cytogenetic location: 3q13.13.
Variant type: single nucleotide variant.
Coding change: c.19G>A on transcript NM_024508.5 (MANE Select); coding-DNA position 19, G replaced by A.
Protein change: p.Glu7Lys; replaces glutamic acid 7 with lysine.
Molecular consequence: missense variant. On other transcripts: intron variant (4).
Genome position (GRCh38, 1-based): chr3:111,594,183, C>T on the plus strand (G>A on the coding strand, the complement: ZBED2 is on the minus strand). VCF-style: chr3-111594183-C-T. GRCh37 (hg19) VCF-style: chr3-111313030-C-T.
Other names: c.856-3937C>T (NM_198196.3); c.808-3937C>T (NM_005816.5, NM_001410800.1, NM_001318889.2); short protein forms E7K.
Identifiers: ClinVar variation 4083631 (VCV004083631.8).

ClinVar aggregate classification (germline): Likely benign (1 of 4 stars; one submission).

gnomAD v4.1: 9,879 of 1,596,946 alleles (0.62%); highest among the groups gnomAD compares: Non-Finnish European, 0.65%; 65 homozygotes.

Submission:

CeGaT Center for Human Genetics Tuebingen
Classification: Likely benign. Last evaluated: 2025-09-01. Review status: criteria provided, single submitter. Criteria: CeGaT Center For Human Genetics Tuebingen Variant Classification Criteria Version 2. Collection method: clinical testing. Allele origin: germline. Affected: yes. Observed: 3 variant alleles.
Comment: ZBED2: BP4, BS2